The following is an entry in ClinVar:

NM_015629.4(PRPF31):c.813C>T (p.Thr271=)

Gene: PRPF31 (pre-mRNA processing factor 31; plus strand). Cytogenetic location: 19q13.42.
Variant type: single nucleotide variant.
Coding change: c.813C>T on transcript NM_015629.4 (MANE Select); coding-DNA position 813, C replaced by T.
Protein change: p.Thr271=; no amino-acid change (threonine 271 retained).
Molecular consequence: synonymous variant.
Genome position (GRCh38, 1-based): chr19:54,124,614, C>T. VCF-style: chr19-54124614-C-T. GRCh37 (hg19) VCF-style: chr19-54627993-C-T.
Other names: c.813C>T (NM_015629.3).
Identifiers: ClinVar variation 1644126 (VCV001644126.10), dbSNP rs139026272, ClinGen allele CA309326171.
Genomic context (GRCh38, chr19:54,124,614, plus strand): 5'-GCTCGGGGCCCAGCGCAAGACGCTGTCGGGCTTCTCGTCTACCTCAGTGCTGCCCCACAC[C>T]GGCTACATCTACCACAGTGACATCGTGCAGTCCCTGCCACCGGTGAGCCCACTGCGTCAT-3'
Protein context (NP_056444.3, residues 261-281): GFSSTSVLPH[Thr271=]GYIYHSDIVQ

ClinVar aggregate classification (germline): Likely benign. Review status: criteria provided, multiple submitters, no conflicts (2 of 4 stars). 3 submissions from 3 submitters: Likely benign (3). Last evaluated 2025-11-20.

Conditions:
PRPF31-related disorder. Also called: PRPF31-related condition.

Allele frequency attached by ClinVar (database versions not stated): gnomAD 0.00003; ExAC 0.00004; TOPMed 0.00005; ESP Exome Variant Server 0.00015.

Submissions (3):

Labcorp Genetics (formerly Invitae), Labcorp
Classification: Likely benign. Last evaluated: 2025-11-20. Review status: criteria provided, single submitter. Criteria: Invitae Variant Classification Sherloc (09022015). Collection method: clinical testing. Allele origin: germline.

PreventionGenetics, part of Exact Sciences
Classification: Likely benign for PRPF31-related condition. Last evaluated: 2025-05-02. Review status: criteria provided, single submitter. Criteria: ACMG Guidelines, 2015. Collection method: clinical testing. Allele origin: germline.
Comment: This variant is classified as likely benign based on ACMG/AMP sequence variant interpretation guidelines (Richards et al. 2015 PMID: 25741868, with internal and published modifications).

Blueprint Genetics
Classification: Likely benign. Last evaluated: 2024-03-08. Review status: criteria provided, single submitter. Criteria: ACMG Guidelines, 2015. Collection method: clinical testing. Allele origin: germline.